The following is an entry in ClinVar:

ClinVar aggregate classification (germline): not provided (0 of 4 stars; one submission).

Conditions:
Van der Woude syndrome 1. Also called: van der Woude Syndrome (VWS); CLEFT LIP AND/OR PALATE WITH MUCOUS CYSTS OF LOWER LIP. Identifiers: MedGen C4551864, MONDO:0007333, OMIM 119300.

Submission:

GeneReviews
No classification provided. Condition: Van der Woude syndrome 1. Review status: no classification provided. Collection method: literature only. Allele origin: germline.

Literature cited by the submitters: PubMed 30689861.

NM_006147.4(IRF6):c.1279G>T (p.Asp427Tyr)

Gene: IRF6 (interferon regulatory factor 6; minus strand). Cytogenetic location: 1q32.2.
Variant type: single nucleotide variant.
Coding change: c.1279G>T on transcript NM_006147.4 (MANE Select); coding-DNA position 1279, G replaced by T.
Protein change: p.Asp427Tyr; replaces aspartic acid 427 with tyrosine.
Molecular consequence: missense variant.
Genome position (GRCh38, 1-based): chr1:209,788,545, C>A on the plus strand (G>T on the coding strand, the complement: IRF6 is on the minus strand). VCF-style: chr1-209788545-C-A. GRCh37 (hg19) VCF-style: chr1-209961890-C-A.
Other names: c.994G>T, p.Asp332Tyr (NM_001206696.2); short protein forms D332Y, D427Y.
Identifiers: ClinVar variation 1320307 (VCV001320307.2), dbSNP rs2102534810, ClinGen allele CA344573072.